The following is an entry in ClinVar:

ClinVar aggregate classification (germline): Uncertain significance (1 of 4 stars; one submission).

Conditions:
Cardiovascular phenotype. Identifiers: MedGen CN230736.

Submission:

Ambry Genetics
Classification: Uncertain significance for Cardiovascular phenotype. Last evaluated: 2024-05-12. Review status: criteria provided, single submitter. Criteria: Ambry Variant Classification Scheme 2023. Collection method: clinical testing. Allele origin: germline.
Comment: The p.P614T variant (also known as c.1840C>A), located in coding exon 13 of the ABCG5 gene, results from a C to A substitution at nucleotide position 1840. The proline at codon 614 is replaced by threonine, an amino acid with highly similar properties. This amino acid position is conserved. In addition, this alteration is predicted to be deleterious by in silico analysis. Based on the available evidence, the clinical significance of this variant remains unclear.

NM_022436.3(ABCG5):c.1840C>A (p.Pro614Thr)

Genes: ABCG5 (ATP binding cassette subfamily G member 5; minus strand), DYNC2LI1 (dynein cytoplasmic 2 light intermediate chain 1; plus strand). Cytogenetic location: 2p21.
Variant type: single nucleotide variant.
Coding change: c.1840C>A on transcript NM_022436.3 (MANE Select); coding-DNA position 1840, C replaced by A.
Protein change: p.Pro614Thr; replaces proline 614 with threonine.
Molecular consequence: missense variant. On other transcripts: intron variant (2).
Genome position (GRCh38, 1-based): chr2:43,813,232, G>T on the plus strand (C>A on the coding strand, the complement: ABCG5 is on the minus strand). VCF-style: chr2-43813232-G-T. GRCh37 (hg19) VCF-style: chr2-44040371-G-T.
Other names: c.*15+2708G>T (NM_001348913.2, NM_001348912.2); short protein forms P614T.
Identifiers: ClinVar variation 3310628 (VCV003310628.1).